The following is an entry in ClinVar:

NM_145290.4(ADGRA3):c.988C>T (p.Arg330Cys)

Gene: ADGRA3 (adhesion G protein-coupled receptor A3; minus strand). Cytogenetic location: 4p15.2.
Variant type: single nucleotide variant.
Coding change: c.988C>T on transcript NM_145290.4 (MANE Select); coding-DNA position 988, C replaced by T.
Protein change: p.Arg330Cys; replaces arginine 330 with cysteine.
Molecular consequence: missense variant.
Genome position (GRCh38, 1-based): chr4:22,438,353, G>A on the plus strand (C>T on the coding strand, the complement: ADGRA3 is on the minus strand). VCF-style: chr4-22438353-G-A. GRCh37 (hg19) VCF-style: chr4-22439976-G-A.
Other names: short protein forms R330C.
Identifiers: ClinVar variation 4779616 (VCV004779616.1).

ClinVar aggregate classification (germline): Uncertain significance (1 of 4 stars; one submission).

Submission:

Labcorp Genetics (formerly Invitae), Labcorp
Classification: Uncertain significance. Last evaluated: 2025-07-29. Review status: criteria provided, single submitter. Criteria: Invitae Variant Classification Sherloc (09022015). Collection method: clinical testing. Allele origin: germline.
Comment: This sequence change replaces arginine, which is basic and polar, with cysteine, which is neutral and slightly polar, at codon 330 of the ADGRA3 protein (p.Arg330Cys). This variant is present in population databases (rs775111076, gnomAD 0.003%). This variant has not been reported in the literature in individuals affected with ADGRA3-related conditions. An algorithm developed to predict the effect of missense changes on protein structure and function (PolyPhen-2) suggests that this variant is likely to be disruptive. In summary, the available evidence is currently insufficient to determine the role of this variant in disease. Therefore, it has been classified as a Variant of Uncertain Significance.